The following is an entry in ClinVar:

ClinVar aggregate classification (germline): Conflicting classifications of pathogenicity. Review status: criteria provided, conflicting classifications (1 of 4 stars). 7 submissions from 7 submitters: Uncertain significance (4); Likely benign (1). 2 of the submissions do not count toward it. Last evaluated 2026-02-15.

Conditions:
Cardiovascular phenotype. Identifiers: MedGen CN230736.
TTN-related disorder. Also called: TTN-related disorders; TTN-related condition; TTN-related disease.
Dilated cardiomyopathy 1G (CMD1G). Identifiers: Orphanet 154, MedGen C1858763, MONDO:0011400, OMIM 604145.
Autosomal recessive limb-girdle muscular dystrophy type 2J (LGMDR10). Also called: Limb-girdle muscular dystrophy, type 2J; MUSCULAR DYSTROPHY, LIMB-GIRDLE, AUTOSOMAL RECESSIVE 10. Identifiers: Orphanet 140922, MedGen C1837342, MONDO:0012127, OMIM 608807.
Early-onset myopathy with fatal cardiomyopathy (CMYO5). Also called: CONGENITAL MYOPATHY 5 WITH CARDIOMYOPATHY; Salih Myopathy. Identifiers: Orphanet 289377, MedGen C2673677, MONDO:0012714, OMIM 611705. Disease mechanism: loss of function.
Tibial muscular dystrophy (TMD). Also called: Udd Distal Myopathy – Tibial Muscular Dystrophy; Tibial muscular dystrophy, tardive; UDD MYOPATHY. Identifiers: Orphanet 609, MedGen C1838244, MONDO:0010870, OMIM 600334.
Hypertrophic cardiomyopathy 9. Also called: Familial hypertrophic cardiomyopathy 9. Identifiers: MedGen C1861065, MONDO:0013412, OMIM 613765.
Myopathy, myofibrillar, 9, with early respiratory failure (MFM9). Also called: EDSTROM MYOPATHY; MYOPATHY, PROXIMAL, WITH EARLY RESPIRATORY MUSCLE INVOLVEMENT; Hereditary myopathy with early respiratory failure; Myopathy, distal, with early respiratory failure, autosomal dominant. Identifiers: Orphanet 178464, Orphanet 34521, MedGen C1863599, MONDO:0011362, OMIM 603689.

Allele frequency attached by ClinVar (database versions not stated): gnomAD exomes 0.00003 and 0.00014; gnomAD 0.00007; ESP Exome Variant Server 0.00008; TOPMed 0.00008; ExAC 0.00012; 1000 Genomes Project 30x 0.00016; 1000 Genomes Project 0.00020.
gnomAD v4.1: 53 of 1,613,684 alleles (0.0033%); highest among the groups gnomAD compares: East Asian, 0.06%; no homozygotes.

Submissions (7):

PreventionGenetics, part of Exact Sciences
Classification: Likely benign for TTN-related condition. Last evaluated: 2026-02-15. Review status: criteria provided, single submitter. Criteria: ACMG Guidelines, 2015. Collection method: clinical testing. Allele origin: germline.
Comment: This variant is classified as likely benign based on ACMG/AMP sequence variant interpretation guidelines (Richards et al. 2015 PMID: 25741868, with internal and published modifications).

Baylor Genetics
Classification: Uncertain significance for Dilated cardiomyopathy 1G. Last evaluated: 2023-05-31. Review status: criteria provided, single submitter. Criteria: ACMG Guidelines, 2015. Collection method: clinical testing. Allele origin: unknown.

Ambry Genetics
Classification: Uncertain significance for Cardiovascular phenotype. Last evaluated: 2017-12-16. Review status: criteria provided, single submitter. Criteria: Ambry Variant Classification Scheme 2023. Collection method: clinical testing. Allele origin: germline.
Comment: The p.R24401C variant (also known as c.73201C>T), located in coding exon 184 of the TTN gene, results from a C to T substitution at nucleotide position 73201. The arginine at codon 24401 is replaced by cysteine, an amino acid with highly dissimilar properties. This amino acid position is highly conserved in available vertebrate species. In addition, the in silico prediction for this alteration is inconclusive. Since supporting evidence is limited at this time, the clinical significance of this alteration remains unclear.

Labcorp Genetics (formerly Invitae), Labcorp
Classification: Uncertain significance for Dilated cardiomyopathy 1G; Autosomal recessive limb-girdle muscular dystrophy type 2J. Last evaluated: 2017-07-21. Review status: criteria provided, single submitter. Criteria: Invitae Variant Classification Sherloc (09022015). Collection method: clinical testing. Allele origin: germline.

Juno Genomics, Hangzhou Juno Genomics, Inc
Classification: Uncertain significance for Tibial muscular dystrophy; Early-onset myopathy with fatal cardiomyopathy; Dilated cardiomyopathy 1G; Hypertrophic cardiomyopathy 9; Autosomal recessive limb-girdle muscular dystrophy type 2J; Myopathy, myofibrillar, 9, with early respiratory failure. Review status: criteria provided, single submitter. Criteria: ACMG Guidelines, 2015. Collection method: clinical testing. Allele origin: germline.
Comment: Multiple lines of computational evidence support a deleterious effect on the gene or gene product.;Missense variant in a gene that has a low rate of benign missense variation.

Clinical Genetics DNA and cytogenetics Diagnostics Lab, Erasmus MC, Erasmus Medical Center
Classification: Uncertain significance. Review status: no assertion criteria provided. Collection method: clinical testing. Allele origin: germline. Affected: yes. Study: VKGL Data-share Consensus. Not counted in ClinVar's aggregate classification.

Genome Diagnostics Laboratory, University Medical Center Utrecht
Classification: Uncertain significance. Review status: no assertion criteria provided. Collection method: clinical testing. Allele origin: germline. Affected: yes. Study: VKGL Data-share Consensus. Not counted in ClinVar's aggregate classification.

NM_001267550.2(TTN):c.100396C>T (p.Arg33466Cys)

Genes: TTN (titin; minus strand), TTN-AS1 (TTN antisense RNA 1; plus strand). Cytogenetic location: 2q31.2.
Variant type: single nucleotide variant.
Coding change: c.100396C>T on transcript NM_001267550.2 (MANE Select); coding-DNA position 100396, C replaced by T.
Protein change: p.Arg33466Cys; replaces arginine 33466 with cysteine.
Molecular consequence: missense variant.
Genome position (GRCh38, 1-based): chr2:178,536,351, G>A on the plus strand (C>T on the coding strand, the complement: TTN is on the minus strand). VCF-style: chr2-178536351-G-A. GRCh37 (hg19) VCF-style: chr2-179401078-G-A.
Other names: c.95473C>T, p.Arg31825Cys (NM_001256850.1); c.73201C>T, p.Arg24401Cys (NM_003319.4); c.92692C>T, p.Arg30898Cys (NM_133378.4); c.73576C>T, p.Arg24526Cys (NM_133432.3); c.73777C>T, p.Arg24593Cys (NM_133437.4); short protein forms R33466C, R24526C, R31825C, R24593C, R30898C, R24401C.
Identifiers: ClinVar variation 466681 (VCV000466681.10), dbSNP rs371908649, ClinGen allele CA1986035.